The following is an entry in ClinVar:

ClinVar aggregate classification (germline): Uncertain significance (1 of 4 stars; one submission).

Conditions:
Hypertrophic cardiomyopathy. Also called: HYPERTROPHIC MYOCARDIOPATHY. Identifiers: Orphanet 217569, MedGen C0007194, MeSH D002312, MONDO:0005045, HP:0001639.

Submission:

Labcorp Genetics (formerly Invitae), Labcorp
Classification: Uncertain significance for Hypertrophic cardiomyopathy. Last evaluated: 2022-03-05. Review status: criteria provided, single submitter. Criteria: Invitae Variant Classification Sherloc (09022015). Collection method: clinical testing. Allele origin: germline.
Comment: This sequence change replaces lysine, which is basic and polar, with arginine, which is basic and polar, at codon 1134 of the MYH7 protein (p.Lys1134Arg). This variant is not present in population databases (gnomAD no frequency). This variant has not been reported in the literature in individuals affected with MYH7-related conditions. Algorithms developed to predict the effect of missense changes on protein structure and function are either unavailable or do not agree on the potential impact of this missense change (SIFT: "Deleterious"; PolyPhen-2: "Probably Damaging"; Align-GVGD: "Class C0"). In summary, the available evidence is currently insufficient to determine the role of this variant in disease. Therefore, it has been classified as a Variant of Uncertain Significance.

NM_000257.4(MYH7):c.3401A>G (p.Lys1134Arg)

Gene: MYH7 (myosin heavy chain 7; minus strand). Cytogenetic location: 14q11.2.
Variant type: single nucleotide variant.
Coding change: c.3401A>G on transcript NM_000257.4 (MANE Select); coding-DNA position 3401, A replaced by G.
Protein change: p.Lys1134Arg; replaces lysine 1134 with arginine.
Molecular consequence: missense variant.
Genome position (GRCh38, 1-based): chr14:23,420,170, T>C on the plus strand (A>G on the coding strand, the complement: MYH7 is on the minus strand). VCF-style: chr14-23420170-T-C. GRCh37 (hg19) VCF-style: chr14-23889379-T-C.
Other names: c.3401A>G, p.Lys1134Arg (NM_001407004.1); short protein forms K1134R.
Identifiers: ClinVar variation 2107187 (VCV002107187.4), dbSNP rs1892417260, ClinGen allele CA389044009.
Genomic context (GRCh38, chr14:23,420,170, plus strand): 5'-CCGGCCTCTTCCAGCCGCTCGCTGATCTCCTCCAGCTCCCGAGACAGGTCTGAGCGCAGC[T>C]TCTCCACCTTAGCCCTGGCGGTGCGCTCGGCCTCCAGCTCCTCCTCCAGCTCCTCGATGC-3'
Protein context (NP_000248.2, residues 1124-1144): AERTARAKVE[Lys1134Arg]LRSDLSRELE